The following is an entry in ClinVar:

NM_018946.4(NANS):c.752C>T (p.Ser251Leu)

Genes: NANS (N-acetylneuraminate synthase; plus strand), TRIM14 (tripartite motif containing 14; minus strand). Cytogenetic location: 9q22.33.
Variant type: single nucleotide variant.
Coding change: c.752C>T on transcript NM_018946.4 (MANE Select); coding-DNA position 752, C replaced by T.
Protein change: p.Ser251Leu; replaces serine 251 with leucine.
Molecular consequence: missense variant.
Genome position (GRCh38, 1-based): chr9:98,080,964, C>T. VCF-style: chr9-98080964-C-T. GRCh37 (hg19) VCF-style: chr9-100843246-C-T.
Other names: c.752C>T (NM_018946.3); short protein forms S251L.
Identifiers: ClinVar variation 1348145 (VCV001348145.5), dbSNP rs117325934, ClinGen allele CA5150375.

ClinVar aggregate classification (germline): Uncertain significance. Review status: criteria provided, single submitter (1 of 4 stars). 2 submissions from 2 submitters: Uncertain significance (1). 1 of the submissions does not count toward it. Last evaluated 2022-10-28.

Conditions:
NANS-related disorder. Also called: NANS-related condition.

Allele frequency attached by ClinVar (database versions not stated): 1000 Genomes Project 0.00040; 1000 Genomes Project 30x 0.00047; gnomAD 0.00081 and 0.00083; TOPMed 0.00087; ExAC 0.00096; gnomAD exomes 0.00117 and 0.00153; ESP Exome Variant Server 0.00123.
gnomAD v4.1: 2,320 of 1,614,182 alleles (0.14%); highest among the groups gnomAD compares: Non-Finnish European, 0.18%; 2 homozygotes.

Submissions (2):

Labcorp Genetics (formerly Invitae), Labcorp
Classification: Uncertain significance. Last evaluated: 2022-10-28. Review status: criteria provided, single submitter. Criteria: Invitae Variant Classification Sherloc (09022015). Collection method: clinical testing. Allele origin: germline.
Comment: This sequence change replaces serine, which is neutral and polar, with leucine, which is neutral and non-polar, at codon 251 of the NANS protein (p.Ser251Leu). This variant is present in population databases (rs117325934, gnomAD 0.2%), and has an allele count higher than expected for a pathogenic variant. This variant has not been reported in the literature in individuals affected with NANS-related conditions. ClinVar contains an entry for this variant (Variation ID: 1348145). Algorithms developed to predict the effect of missense changes on protein structure and function (SIFT, PolyPhen-2, Align-GVGD) all suggest that this variant is likely to be tolerated. In summary, the available evidence is currently insufficient to determine the role of this variant in disease. Therefore, it has been classified as a Variant of Uncertain Significance.

PreventionGenetics, part of Exact Sciences
Classification: Likely benign for NANS-related condition. Last evaluated: 2022-09-08. Review status: no assertion criteria provided. Collection method: clinical testing. Allele origin: germline. Not counted in ClinVar's aggregate classification.
Comment: This variant is classified as likely benign based on ACMG/AMP sequence variant interpretation guidelines (Richards et al. 2015 PMID: 25741868, with internal and published modifications).